The following is an entry in ClinVar:

NM_005732.4(RAD50):c.2747A>G (p.Glu916Gly)

Gene: RAD50 (RAD50 double strand break repair protein; plus strand). Cytogenetic location: 5q31.1.
Variant type: single nucleotide variant.
Coding change: c.2747A>G on transcript NM_005732.4 (MANE Select); coding-DNA position 2747, A replaced by G.
Protein change: p.Glu916Gly; replaces glutamic acid 916 with glycine.
Molecular consequence: missense variant.
Genome position (GRCh38, 1-based): chr5:132,608,643, A>G. VCF-style: chr5-132608643-A-G. GRCh37 (hg19) VCF-style: chr5-131944335-A-G.
Other names: short protein forms E916G.
Identifiers: ClinVar variation 1372029 (VCV001372029.8), dbSNP rs2149849394, ClinGen allele CA360958735.
Genomic context (GRCh38, chr5:132,608,643, plus strand): 5'-TATATAATACTTTATCTTTTTTATATTTTTAGGATGCTAAAGAGCAGGTAAGCCCTTTGG[A>G]AACAACATTGGAAAAGTTCCAGCAAGAAAAAGAAGAATTAATCAACAAAAAAAATACAAG-3'
Protein context (NP_005723.2, residues 906-926): KDAKEQVSPL[Glu916Gly]TTLEKFQQEK

ClinVar aggregate classification (germline): Uncertain significance (1 of 4 stars; one submission).

Conditions:
Hereditary cancer-predisposing syndrome. Also called: Neoplastic Syndromes, Hereditary; Tumor predisposition; Hereditary neoplastic syndrome; Hereditary Cancer Syndrome. Identifiers: Orphanet 140162, MedGen C0027672, MeSH D009386, MONDO:0015356.

Submission:

Labcorp Genetics (formerly Invitae), Labcorp
Classification: Uncertain significance for Hereditary cancer-predisposing syndrome. Last evaluated: 2021-06-02. Review status: criteria provided, single submitter. Criteria: Invitae Variant Classification Sherloc (09022015). Collection method: clinical testing. Allele origin: germline.
Comment: This variant has not been reported in the literature in individuals with RAD50-related conditions. This sequence change replaces glutamic acid with glycine at codon 916 of the RAD50 protein (p.Glu916Gly). The glutamic acid residue is moderately conserved and there is a moderate physicochemical difference between glutamic acid and glycine. This variant is not present in population databases (ExAC no frequency). Algorithms developed to predict the effect of missense changes on protein structure and function (SIFT, PolyPhen-2, Align-GVGD) all suggest that this variant is likely to be tolerated, but these predictions have not been confirmed by published functional studies and their clinical significance is uncertain. In summary, the available evidence is currently insufficient to determine the role of this variant in disease. Therefore, it has been classified as a Variant of Uncertain Significance.